The following is an entry in ClinVar:

NM_002488.5(NDUFA2):c.40C>G (p.Leu14Val)

Genes: NDUFA2 (NADH:ubiquinone oxidoreductase subunit A2; minus strand), TMCO6 (transmembrane and coiled-coil domains 6; plus strand). Cytogenetic location: 5q31.3.
Variant type: single nucleotide variant.
Coding change: c.40C>G on transcript NM_002488.5 (MANE Select); coding-DNA position 40, C replaced by G.
Protein change: p.Leu14Val; replaces leucine 14 with valine.
Molecular consequence: missense variant. On other transcripts: non-coding transcript variant (1).
Genome position (GRCh38, 1-based): chr5:140,647,544, G>C on the plus strand (C>G on the coding strand, the complement: NDUFA2 is on the minus strand). VCF-style: chr5-140647544-G-C. GRCh37 (hg19) VCF-style: chr5-140027129-G-C.
Other names: p.L14V:CTG>GTG; p.Leu14Val; c.40C>G, p.Leu14Val (NM_001185012.2); short protein forms L14V.
Identifiers: ClinVar variation 138445 (VCV000138445.44), dbSNP rs35672074, ClinGen allele CA292433.

ClinVar aggregate classification (germline): Conflicting classifications of pathogenicity. Review status: criteria provided, conflicting classifications (1 of 4 stars). 8 submissions from 8 submitters: Uncertain significance (1); Benign (4); Likely benign (3). Last evaluated 2026-04-18.

Conditions:
Mitochondrial complex I deficiency, nuclear type 1. Also called: NADH-COENZYME Q REDUCTASE DEFICIENCY; MITOCHONDRIAL NADH DEHYDROGENASE COMPONENT OF COMPLEX I, DEFICIENCY OF. Identifiers: MedGen C6022305, MONDO:0100224, OMIM 252010.
NDUFA2-related disorder. Also called: NDUFA2-related condition.

Allele frequency attached by ClinVar (database versions not stated): 1000 Genomes Project 0.00040; 1000 Genomes Project 30x 0.00047; TOPMed 0.00062; ESP Exome Variant Server 0.00131; gnomAD 0.00148 and 0.00154.
gnomAD v4.1: 1,833 of 1,611,968 alleles (0.11%); highest among the groups gnomAD compares: Non-Finnish European, 0.096%; 10 homozygotes.

Submissions (12):

PreventionGenetics, part of Exact Sciences
Classification: Benign for NDUFA2-related condition. Last evaluated: 2026-04-18. Review status: criteria provided, single submitter. Criteria: ACMG Guidelines, 2015. Collection method: clinical testing. Allele origin: germline.
Comment: This variant is classified as benign based on ACMG/AMP sequence variant interpretation guidelines (Richards et al. 2015 PMID: 25741868, with internal and published modifications).

Labcorp Genetics (formerly Invitae), Labcorp
Classification: Benign. Last evaluated: 2026-02-01. Review status: criteria provided, single submitter. Criteria: Invitae Variant Classification Sherloc (09022015). Collection method: clinical testing. Allele origin: germline.

Mayo Clinic Laboratories, Mayo Clinic
Classification: Likely benign. Last evaluated: 2025-05-22. Review status: criteria provided, single submitter. Criteria: ACMG Guidelines, 2015. Collection method: clinical testing. Allele origin: germline. Observed: 2 variant alleles.
Comment: BS2, BP4_moderate

Blueprint Genetics
Classification: Likely benign. Last evaluated: 2024-11-26. Review status: criteria provided, single submitter. Criteria: ACMG Guidelines, 2015. Collection method: clinical testing. Allele origin: germline.

CeGaT Center for Human Genetics Tuebingen
Classification: Benign. Last evaluated: 2024-01-01. Review status: criteria provided, single submitter. Criteria: CeGaT Center For Human Genetics Tuebingen Variant Classification Criteria Version 2. Collection method: clinical testing. Allele origin: germline. Affected: yes. Observed: 5 variant alleles.
Comment: NDUFA2: BP4, BS1, BS2

Illumina Laboratory Services, Illumina
Classification: Uncertain significance for Mitochondrial complex I deficiency, nuclear type 1. Last evaluated: 2018-01-13. Review status: criteria provided, single submitter. Criteria: ICSL Variant Classification Criteria 13 December 2019. Collection method: clinical testing. Allele origin: germline.

Center for Pediatric Genomic Medicine, Children's Mercy Hospital and Clinics
Classification: Likely benign. Last evaluated: 2017-10-04. Review status: criteria provided, single submitter. Criteria: ACMG Guidelines, 2015. Collection method: clinical testing. Allele origin: germline.

GeneDx
Classification: Benign. Last evaluated: 2013-02-18. Review status: criteria provided, single submitter. Criteria: GeneDx Variant Classification (06012015). Collection method: clinical testing. Allele origin: germline. Affected: yes.
Comment: This variant is considered likely benign or benign based on one or more of the following criteria: it is a conservative change, it occurs at a poorly conserved position in the protein, it is predicted to be benign by multiple in silico algorithms, and/or has population frequency not consistent with disease.

Dr. Peter K. Rogan Lab, Western University
No classification provided (evidence only). Condition: Gastric cancer. Review status: no classification provided. Collection method: in vitro. Allele origin: not applicable. Functional consequence: retained intron. Not counted in ClinVar's aggregate classification.

Dr. Peter K. Rogan Lab, Western University
No classification provided (evidence only). Condition: Gastric cancer. Review status: no classification provided. Collection method: in vitro. Allele origin: not applicable. Functional consequence: retained intron. Not counted in ClinVar's aggregate classification.

Dr. Peter K. Rogan Lab, Western University
No classification provided (evidence only). Condition: Gastric cancer. Review status: no classification provided. Collection method: in vitro. Allele origin: not applicable. Functional consequence: retained intron. Not counted in ClinVar's aggregate classification.

Dr. Peter K. Rogan Lab, Western University
No classification provided (evidence only). Condition: Malignant tumor of esophagus. Review status: no classification provided. Collection method: in vitro. Allele origin: not applicable. Functional consequence: retained intron. Not counted in ClinVar's aggregate classification.